The following is an entry in ClinVar:

ClinVar aggregate classification (germline): Uncertain significance (1 of 4 stars; one submission).

Conditions:
Developmental and epileptic encephalopathy, 36 (DEE36). Also called: Epileptic encephalopathy, early infantile, 36; Congenital disorder of glycosylation, type Is; ALG13-CDG. Identifiers: Orphanet 324422, MedGen C4317295, MONDO:0010472, OMIM 300884.

Allele frequency attached by ClinVar (database versions not stated): gnomAD exomes below 0.00001; TOPMed below 0.00001.
gnomAD v4.1: 4 of 1,211,540 alleles (0.00033%); highest among the groups gnomAD compares: Middle Eastern, 0.023%; no homozygotes.

Submission:

Labcorp Genetics (formerly Invitae), Labcorp
Classification: Uncertain significance for Developmental and epileptic encephalopathy, 36. Last evaluated: 2021-08-31. Review status: criteria provided, single submitter. Criteria: Invitae Variant Classification Sherloc (09022015). Collection method: clinical testing. Allele origin: germline.
Comment: This sequence change replaces cysteine with arginine at codon 765 of the ALG13 protein (p.Cys765Arg). The cysteine residue is moderately conserved and there is a large physicochemical difference between cysteine and arginine. This variant is not present in population databases (ExAC no frequency). This variant has not been reported in the literature in individuals affected with ALG13-related conditions. Algorithms developed to predict the effect of missense changes on protein structure and function are either unavailable or do not agree on the potential impact of this missense change (SIFT: "Deleterious"; PolyPhen-2: "Benign"; Align-GVGD: "Class C0"). In summary, the available evidence is currently insufficient to determine the role of this variant in disease. Therefore, it has been classified as a Variant of Uncertain Significance.

NM_001099922.3(ALG13):c.2293T>C (p.Cys765Arg)

Gene: ALG13 (ALG13 UDP-N-acetylglucosaminyltransferase subunit; plus strand). Cytogenetic location: Xq23.
Variant type: single nucleotide variant.
Coding change: c.2293T>C on transcript NM_001099922.3 (MANE Select); coding-DNA position 2293, T replaced by C.
Protein change: p.Cys765Arg; replaces cysteine 765 with arginine.
Molecular consequence: missense variant. On other transcripts: non-coding transcript variant (1).
Genome position (GRCh38, 1-based): chrX:111,728,230, T>C. VCF-style: chrX-111728230-T-C. GRCh37 (hg19) VCF-style: chrX-110971458-T-C.
Other names: c.1981T>C, p.Cys661Arg (NM_001257230.2, NM_001257234.2, NM_001257237.2); c.2059T>C, p.Cys687Arg (NM_001257231.2); c.2293T>C, p.Cys765Arg (NM_001324292.2); c.1807T>C, p.Cys603Arg (NM_001324293.1); short protein forms C603R, C661R, C687R, C765R.
Identifiers: ClinVar variation 1053080 (VCV001053080.6), dbSNP rs927961674, ClinGen allele CA334444541.